The following is an entry in ClinVar:

ClinVar aggregate classification (germline): Uncertain significance (1 of 4 stars; one submission).

Conditions:
Epilepsy, familial adult myoclonic, 5 (EPEO5). Also called: CORTICAL MYOCLONIC TREMOR WITH EPILEPSY, FAMILIAL, 5. Identifiers: Orphanet 86814, MedGen C3809374, MONDO:0014167, OMIM 615400.

Submission:

Labcorp Genetics (formerly Invitae), Labcorp
Classification: Uncertain significance for Epilepsy, familial adult myoclonic, 5. Last evaluated: 2022-06-20. Review status: criteria provided, single submitter. Criteria: Invitae Variant Classification Sherloc (09022015). Collection method: clinical testing. Allele origin: germline.
Comment: This sequence change replaces tyrosine, which is neutral and polar, with cysteine, which is neutral and slightly polar, at codon 847 of the CNTN2 protein (p.Tyr847Cys). In summary, the available evidence is currently insufficient to determine the role of this variant in disease. Therefore, it has been classified as a Variant of Uncertain Significance. Advanced modeling of protein sequence and biophysical properties (such as structural, functional, and spatial information, amino acid conservation, physicochemical variation, residue mobility, and thermodynamic stability) performed at Invitae indicates that this missense variant is expected to disrupt CNTN2 protein function. This variant has not been reported in the literature in individuals affected with CNTN2-related conditions. This variant is not present in population databases (gnomAD no frequency).

NM_005076.5(CNTN2):c.2540A>G (p.Tyr847Cys)

Gene: CNTN2 (contactin 2; plus strand). Cytogenetic location: 1q32.1.
Variant type: single nucleotide variant.
Coding change: c.2540A>G on transcript NM_005076.5 (MANE Select); coding-DNA position 2540, A replaced by G.
Protein change: p.Tyr847Cys; replaces tyrosine 847 with cysteine.
Molecular consequence: missense variant. On other transcripts: non-coding transcript variant (1).
Genome position (GRCh38, 1-based): chr1:205,070,534, A>G. VCF-style: chr1-205070534-A-G. GRCh37 (hg19) VCF-style: chr1-205039662-A-G.
Other names: c.2540A>G, p.Tyr847Cys (NM_001346083.2); short protein forms Y847C.
Identifiers: ClinVar variation 2008656 (VCV002008656.4), dbSNP rs2526418164, ClinGen allele CA344380680.